The following is an entry in ClinVar:

NM_003200.5(TCF3):c.463G>A (p.Gly155Ser)

Gene: TCF3 (transcription factor 3; minus strand). Cytogenetic location: 19p13.3.
Variant type: single nucleotide variant.
Coding change: c.463G>A on transcript NM_003200.5 (MANE Select); coding-DNA position 463, G replaced by A.
Protein change: p.Gly155Ser; replaces glycine 155 with serine.
Molecular consequence: missense variant.
Genome position (GRCh38, 1-based): chr19:1,625,612, C>T on the plus strand (G>A on the coding strand, the complement: TCF3 is on the minus strand). VCF-style: chr19-1625612-C-T. GRCh37 (hg19) VCF-style: chr19-1625611-C-T.
Other names: c.463G>A, p.Gly155Ser (NM_001136139.4, NM_001351778.2, NM_001351779.2); short protein forms G155S.
Identifiers: ClinVar variation 1389390 (VCV001389390.6), dbSNP rs778987149, ClinGen allele CA9050390.
Genomic context (GRCh38, chr19:1,625,612, plus strand): 5'-ATGCCCCGGCCAGACCCCGCTCACCTAGGCTGCCGTCTGCCGCTCTCCGCCGGGAGCTGC[C>T]GGAGTAGGAGGGGTAGTACTGGGAGGTCCCCTTCATGCCCGAAGGGGACAGGGGCCCGGG-3'
Protein context (NP_003191.1, residues 145-165): GTSQYYPSYS[Gly155Ser]SSRRRAADGS

ClinVar aggregate classification (germline): Uncertain significance (1 of 4 stars; one submission).

Allele frequency attached by ClinVar (database versions not stated): gnomAD 0.00001; TOPMed 0.00001; ExAC 0.00003.
gnomAD v4.1: 27 of 1,583,532 alleles (0.0017%); highest among the groups gnomAD compares: African/African-American, 0.0055%; no homozygotes.

Submission:

Labcorp Genetics (formerly Invitae), Labcorp
Classification: Uncertain significance. Last evaluated: 2025-12-01. Review status: criteria provided, single submitter. Criteria: Invitae Variant Classification Sherloc (09022015). Collection method: clinical testing. Allele origin: germline.
Comment: This sequence change replaces glycine, which is neutral and non-polar, with serine, which is neutral and polar, at codon 155 of the TCF3 protein (p.Gly155Ser). The frequency data for this variant in the population databases is considered unreliable, as metrics indicate poor data quality at this position in the gnomAD database. This variant has not been reported in the literature in individuals affected with TCF3-related conditions. ClinVar contains an entry for this variant (Variation ID: 1389390). Invitae Evidence Modeling of protein sequence and biophysical properties (such as structural, functional, and spatial information, amino acid conservation, physicochemical variation, residue mobility, and thermodynamic stability) indicates that this missense variant is not expected to disrupt TCF3 protein function with a negative predictive value of 80%. In summary, the available evidence is currently insufficient to determine the role of this variant in disease. Therefore, it has been classified as a Variant of Uncertain Significance.